The following is an entry in ClinVar:

NM_001042492.3(NF1):c.7987del (p.Ser2663fs)

Gene: NF1 (neurofibromin 1; plus strand). Cytogenetic location: 17q11.2.
Variant type: Deletion.
Coding change: c.7987del on transcript NM_001042492.3 (MANE Select); coding-DNA position 7987, one base deleted (T; older notation c.7987delT).
Protein change: p.Ser2663fs; shifts the reading frame from serine 2663.
Molecular consequence: frameshift variant.
Genome position (GRCh38, 1-based): chr17:31,358,496, T deleted. VCF-style (leftmost placement, unchanged base first): chr17-31358495-CT-C. GRCh37 (hg19) VCF-style: chr17-29685513-CT-C.
Other names: c.7924delT, p.Ser2642Leufs (NM_000267.4); short protein forms S2663fs, S2642fs.
Identifiers: ClinVar variation 3717032 (VCV003717032.2).

ClinVar aggregate classification (germline): Pathogenic (1 of 4 stars; one submission).

Conditions:
Neurofibromatosis, type 1 (NF1). Also called: VON RECKLINGHAUSEN DISEASE; NEUROFIBROMATOSIS, TYPE I, SOMATIC; Peripheral type neurofibromatosis; Neurofibromatosis, type I. Identifiers: Orphanet 636, MedGen C0027831, MONDO:0018975, OMIM 162200. Disease mechanism: loss of function.

Submission:

Labcorp Genetics (formerly Invitae), Labcorp
Classification: Pathogenic for Neurofibromatosis, type 1. Last evaluated: 2024-09-19. Review status: criteria provided, single submitter. Criteria: Invitae Variant Classification Sherloc (09022015). Collection method: clinical testing. Allele origin: germline.
Comment: This sequence change creates a premature translational stop signal (p.Ser2642Leufs*16) in the NF1 gene. It is expected to result in an absent or disrupted protein product. Loss-of-function variants in NF1 are known to be pathogenic (PMID: 10712197, 23913538). This variant is not present in population databases (gnomAD no frequency). This variant has not been reported in the literature in individuals affected with NF1-related conditions. For these reasons, this variant has been classified as Pathogenic.

Literature cited by the submitters: PubMed 10712197; PubMed 23913538.